The following is an entry in ClinVar:

NM_015488.5(PNKD):c.533G>A (p.Ser178Asn)

Genes: CATIP-AS2 (CATIP antisense RNA 2; minus strand), PNKD (PNKD metallo-beta-lactamase domain containing; plus strand). Cytogenetic location: 2q35.
Variant type: single nucleotide variant.
Coding change: c.533G>A on transcript NM_015488.5 (MANE Select); coding-DNA position 533, G replaced by A.
Protein change: p.Ser178Asn; replaces serine 178 with asparagine.
Molecular consequence: missense variant.
Genome position (GRCh38, 1-based): chr2:218,341,542, G>A. VCF-style: chr2-218341542-G-A. GRCh37 (hg19) VCF-style: chr2-219206265-G-A.
Other names: c.461G>A, p.Ser154Asn (NM_022572.5); short protein forms S178N, S154N.
Identifiers: ClinVar variation 1379491 (VCV001379491.6), dbSNP rs147885219, ClinGen allele CA2104002.

ClinVar aggregate classification (germline): Uncertain significance (1 of 4 stars; one submission).

Conditions:
Paroxysmal nonkinesigenic dyskinesia. Also called: Paroxysmal non-kinesigenic dyskinesia. Identifiers: Orphanet 98810, MedGen C1869117, MONDO:0700088.

Allele frequency attached by ClinVar (database versions not stated): gnomAD 0.00001 and 0.00002; gnomAD exomes 0.00001; ExAC 0.00005; 1000 Genomes Project 30x 0.00016; 1000 Genomes Project 0.00020.
gnomAD v4.1: 6 of 1,598,990 alleles (0.00038%); highest among the groups gnomAD compares: East Asian, 0.014%; no homozygotes.

Submission:

Labcorp Genetics (formerly Invitae), Labcorp
Classification: Uncertain significance for Paroxysmal nonkinesigenic dyskinesia. Last evaluated: 2022-02-24. Review status: criteria provided, single submitter. Criteria: Invitae Variant Classification Sherloc (09022015). Collection method: clinical testing. Allele origin: germline.
Comment: This sequence change replaces serine, which is neutral and polar, with asparagine, which is neutral and polar, at codon 178 of the PNKD protein (p.Ser178Asn). The frequency data for this variant in the population databases is considered unreliable, as metrics indicate poor data quality at this position in the gnomAD database. This variant has not been reported in the literature in individuals affected with PNKD-related conditions. Algorithms developed to predict the effect of missense changes on protein structure and function are either unavailable or do not agree on the potential impact of this missense change (SIFT: "Deleterious"; PolyPhen-2: "Possibly Damaging"; Align-GVGD: "Class C0"). In summary, the available evidence is currently insufficient to determine the role of this variant in disease. Therefore, it has been classified as a Variant of Uncertain Significance.